The following is an entry in ClinVar:

ClinVar aggregate classification (germline): Pathogenic (1 of 4 stars; one submission).

Submission:

Labcorp Genetics (formerly Invitae), Labcorp
Classification: Pathogenic. Last evaluated: 2022-07-15. Review status: criteria provided, single submitter. Criteria: Invitae Variant Classification Sherloc (09022015). Collection method: clinical testing. Allele origin: germline.
Comment: This sequence change creates a premature translational stop signal (p.Gln67*) in the LOX gene. It is expected to result in an absent or disrupted protein product. Loss-of-function variants in LOX are known to be pathogenic (PMID: 12417550, 26838787, 27432961). This variant is not present in population databases (gnomAD no frequency). This variant has not been reported in the literature in individuals affected with LOX-related conditions. For these reasons, this variant has been classified as Pathogenic.

Literature cited by the submitters: PubMed 12417550; PubMed 26838787; PubMed 27432961.

NM_002317.7(LOX):c.199C>T (p.Gln67Ter)

Genes: LOX (lysyl oxidase; minus strand), SRFBP1 (serum response factor binding protein 1; plus strand). Cytogenetic location: 5q23.1.
Variant type: single nucleotide variant.
Coding change: c.199C>T on transcript NM_002317.7 (MANE Select); coding-DNA position 199, C replaced by T.
Protein change: p.Gln67Ter; replaces glutamine 67 with a stop codon.
Molecular consequence: nonsense.
Genome position (GRCh38, 1-based): chr5:122,077,787, G>A on the plus strand (C>T on the coding strand, the complement: LOX is on the minus strand). VCF-style: chr5-122077787-G-A. GRCh37 (hg19) VCF-style: chr5-121413482-G-A.
Other names: short protein forms Q67*.
Identifiers: ClinVar variation 2017236 (VCV002017236.4), dbSNP rs1459778601, ClinGen allele CA360877596.
Genomic context (GRCh38, chr5:122,077,787, plus strand): 5'-GCTGCTGGGCGGAGGCGTTGGCTGCACCAGGGACGGCGGCGCCCGGGTCCCGGCGGCGCT[G>A]AGGCTGGTACTGTGAGCCCAGGCTCAGCAAGCTGAACACCTGCCCGTTGTTCTCCCATTG-3'